The following is an entry in ClinVar:

NM_017886.4(ULK4):c.2849T>C (p.Phe950Ser)

Gene: ULK4 (unc-51 like kinase 4; minus strand). Cytogenetic location: 3p22.1.
Variant type: single nucleotide variant.
Coding change: c.2849T>C on transcript NM_017886.4 (MANE Select); coding-DNA position 2849, T replaced by C.
Protein change: p.Phe950Ser; replaces phenylalanine 950 with serine.
Molecular consequence: missense variant. On other transcripts: non-coding transcript variant (1).
Genome position (GRCh38, 1-based): chr3:41,681,637, A>G on the plus strand (T>C on the coding strand, the complement: ULK4 is on the minus strand). VCF-style: chr3-41681637-A-G. GRCh37 (hg19) VCF-style: chr3-41723128-A-G.
Other names: c.2849T>C (NM_017886.2); c.2849T>C, p.Phe950Ser (NM_001322500.2); c.1943T>C, p.Phe648Ser (NM_001322501.2); short protein forms F648S, F950S.
Identifiers: ClinVar variation 3048584 (VCV003048584.3), dbSNP rs201806676, ClinGen allele CA2331688.
Genomic context (GRCh38, chr3:41,681,637, plus strand): 5'-CCATCCCCAAACTCCTGGTTCACGAGTAGAGATGTGGTTTCTGAGAGCAACCGCAAGCTA[A>G]AGAGTCTCCACTCCACTTGAAAGAAAAAAAAAATGCCAAGAATGTGACTCCATGGAGACA-3'
Protein context (NP_060356.2, residues 940-960): VQSQNVEWRL[Phe950Ser]SLRLLSETTS

ClinVar aggregate classification (germline): Uncertain significance. Review status: criteria provided, single submitter (1 of 4 stars). 2 submissions from 2 submitters: Uncertain significance (1). 1 of the submissions does not count toward it. Last evaluated 2025-09-26.

Conditions:
ULK4-related disorder. Also called: ULK4-related condition.

Allele frequency attached by ClinVar (database versions not stated): TOPMed 0.00093; ExAC 0.00024; 1000 Genomes Project 0.00040; ESP Exome Variant Server 0.00122; gnomAD exomes 0.00008; 1000 Genomes Project 30x 0.00047; gnomAD 0.00084.

Submissions (2):

Ambry Genetics
Classification: Uncertain significance. Last evaluated: 2025-09-26. Review status: criteria provided, single submitter. Criteria: Ambry Variant Classification Scheme 2023. Collection method: clinical testing. Allele origin: germline.

PreventionGenetics, part of Exact Sciences
Classification: Likely benign for ULK4-related condition. Last evaluated: 2022-02-10. Review status: no assertion criteria provided. Collection method: clinical testing. Allele origin: germline. Not counted in ClinVar's aggregate classification.
Comment: This variant is classified as likely benign based on ACMG/AMP sequence variant interpretation guidelines (Richards et al. 2015 PMID: 25741868, with internal and published modifications).